The following is an entry in ClinVar:

ClinVar aggregate classification (germline): Pathogenic (1 of 4 stars; one submission).

Conditions:
Alport syndrome. Also called: Hemorrhagic familial nephritis; Hemorrhagic hereditary nephritis; Congenital hereditary hematuria. Identifiers: Orphanet 63, MedGen C1567741, MONDO:0018965.

Submission:

Natera, Inc.
Classification: Pathogenic for Alport syndrome. Last evaluated: 2025-09-17. Review status: criteria provided, single submitter. Criteria: Natera Variant Classification Schema (03/2026). Collection method: clinical testing. Allele origin: germline.
Comment: The c.1345G>A variant in COL4A3 is a missense variant predicted to cause substitution of glycine to arginine at amino acid 449. This variant is rare in the general population with a frequency below the threshold expected for the associated phenotype(s). This variant has been observed to segregate in affected family members (PMID: 33838161). This variant is located in a functionally critical region of the protein. Computational prediction algorithms indicate this variant is likely to affect gene or protein function. Given the available evidence, this variant is classified as Pathogenic.

Literature cited by the submitters: PubMed 33838161.

NM_000091.5(COL4A3):c.1345G>A (p.Gly449Arg)

Genes: COL4A3 (collagen type IV alpha 3 chain; plus strand), MFF-DT (MFF divergent transcript; minus strand). Cytogenetic location: 2q36.3.
Variant type: single nucleotide variant.
Coding change: c.1345G>A on transcript NM_000091.5 (MANE Select); coding-DNA position 1345, G replaced by A.
Protein change: p.Gly449Arg; replaces glycine 449 with arginine.
Molecular consequence: missense variant.
Genome position (GRCh38, 1-based): chr2:227,266,446, G>A. VCF-style: chr2-227266446-G-A. GRCh37 (hg19) VCF-style: chr2-228131162-G-A.
Other names: short protein forms G449R.
Identifiers: ClinVar variation 4817171 (VCV004817171.1).